The following is an entry in ClinVar:

NM_017849.4(TMEM127):c.625G>T (p.Glu209Ter)

Gene: TMEM127 (transmembrane protein 127; minus strand). Cytogenetic location: 2q11.2.
Variant type: single nucleotide variant.
Coding change: c.625G>T on transcript NM_017849.4 (MANE Select); coding-DNA position 625, G replaced by T.
Protein change: p.Glu209Ter; replaces glutamic acid 209 with a stop codon.
Molecular consequence: nonsense.
Genome position (GRCh38, 1-based): chr2:96,253,900, C>A on the plus strand (G>T on the coding strand, the complement: TMEM127 is on the minus strand). VCF-style: chr2-96253900-C-A. GRCh37 (hg19) VCF-style: chr2-96919638-C-A.
Other names: c.625G>T, p.Glu209Ter (NM_001193304.3); c.373G>T, p.Glu125Ter (NM_001407282.1, NM_001407283.1); short protein forms E125*, E209*.
Identifiers: ClinVar variation 4856715 (VCV004856715.1).

ClinVar aggregate classification (germline): Pathogenic (1 of 4 stars; one submission).

Conditions:
Hereditary pheochromocytoma and paraganglioma. Also called: Hereditary Paraganglioma-Pheochromocytoma Syndromes; Hereditary paragangliomas and pheochromocytomas; Hereditary pheochromocytoma-paraganglioma. Identifiers: Orphanet 29072, MedGen C4274332, MONDO:0017366.

Submission:

Myriad Genetics, Inc.
Classification: Pathogenic for Hereditary pheochromocytoma and paraganglioma. Last evaluated: 2026-01-13. Review status: criteria provided, single submitter. Criteria: Myriad Autosomal Dominant, Autosomal Recessive and X-Linked Classification Criteria (2023). Collection method: clinical testing. Allele origin: unknown.
Comment: This variant is considered pathogenic. This variant creates a termination codon and is predicted to result in premature protein truncation.